The following is an entry in ClinVar:

ClinVar aggregate classification (germline): Pathogenic (1 of 4 stars; one submission).

Submission:

Labcorp Genetics (formerly Invitae), Labcorp
Classification: Pathogenic. Last evaluated: 2023-08-05. Review status: criteria provided, single submitter. Criteria: Invitae Variant Classification Sherloc (09022015). Collection method: clinical testing. Allele origin: unknown.
Comment: For these reasons, this variant has been classified as Pathogenic. This variant disrupts a region of the USH2A protein in which other variant(s) (p.Tyr2028Cys) have been determined to be pathogenic (PMID: 29625443, 33090715). This suggests that this is a clinically significant region of the protein, and that variants that disrupt it are likely to be disease-causing. This variant has not been reported in the literature in individuals affected with USH2A-related conditions. This variant is a gross deletion of the genomic region encompassing exon(s) 31 of the USH2A gene. This variant would be expected to be in-frame, preserving the integrity of the reading frame.

Literature cited by the submitters: PubMed 29625443; PubMed 33090715.

NC_000001.10:g.(?_216221856)_(216222009_?)del

Gene: USH2A (usherin; minus strand). Cytogenetic location: 1q41.
Variant type: Deletion.
Identifiers: ClinVar variation 3248042 (VCV003248042.1).